The following is an entry in ClinVar:

ClinVar aggregate classification (germline): Uncertain significance. Review status: criteria provided, multiple submitters, no conflicts (2 of 4 stars). 4 submissions from 4 submitters: Uncertain significance (4). Last evaluated 2024-12-15.

Conditions:
Tuberous sclerosis 2 (TSC2). Identifiers: Orphanet 805, MedGen C1860707, MONDO:0013199, OMIM 613254.
Hereditary cancer-predisposing syndrome. Also called: Tumor predisposition; Hereditary Cancer Syndrome; Neoplastic Syndromes, Hereditary; Hereditary neoplastic syndrome. Identifiers: Orphanet 140162, MedGen C0027672, MeSH D009386, MONDO:0015356.

Allele frequency attached by ClinVar (database versions not stated): gnomAD exomes below 0.00001.
gnomAD v4.1: 1 of 1,604,244 alleles (0.000062%); highest among the groups gnomAD compares: Non-Finnish European, 0.000085%; no homozygotes.

Submissions (4):

Labcorp Genetics (formerly Invitae), Labcorp
Classification: Uncertain significance for Tuberous sclerosis 2. Last evaluated: 2024-12-15. Review status: criteria provided, single submitter. Criteria: Invitae Variant Classification Sherloc (09022015). Collection method: clinical testing. Allele origin: germline.
Comment: This sequence change replaces arginine, which is basic and polar, with glutamine, which is neutral and polar, at codon 1459 of the TSC2 protein (p.Arg1459Gln). This variant is not present in population databases (gnomAD no frequency). This variant has not been reported in the literature in individuals affected with TSC2-related conditions. ClinVar contains an entry for this variant (Variation ID: 486601). Invitae Evidence Modeling of protein sequence and biophysical properties (such as structural, functional, and spatial information, amino acid conservation, physicochemical variation, residue mobility, and thermodynamic stability) indicates that this missense variant is not expected to disrupt TSC2 protein function with a negative predictive value of 95%. In summary, the available evidence is currently insufficient to determine the role of this variant in disease. Therefore, it has been classified as a Variant of Uncertain Significance.

Blueprint Genetics
Classification: Uncertain significance. Last evaluated: 2024-02-27. Review status: criteria provided, single submitter. Criteria: ACMG Guidelines, 2015. Collection method: clinical testing. Allele origin: germline.

Ambry Genetics
Classification: Uncertain significance for Hereditary cancer-predisposing syndrome. Last evaluated: 2023-12-15. Review status: criteria provided, single submitter. Criteria: Ambry Variant Classification Scheme 2023. Collection method: clinical testing. Allele origin: germline.
Comment: The p.R1459Q variant (also known as c.4376G>A), located in coding exon 33 of the TSC2 gene, results from a G to A substitution at nucleotide position 4376. The arginine at codon 1459 is replaced by glutamine, an amino acid with highly similar properties. This amino acid position is highly conserved in available vertebrate species. In addition, this alteration is predicted to be deleterious by in silico analysis. Since supporting evidence is limited at this time, the clinical significance of this alteration remains unclear.

Genome-Nilou Lab
Classification: Uncertain significance for Tuberous sclerosis 2. Last evaluated: 2021-11-07. Review status: criteria provided, single submitter. Criteria: ACMG Guidelines, 2015. Collection method: clinical testing. Allele origin: germline. Affected: no.

NM_000548.5(TSC2):c.4376G>A (p.Arg1459Gln)

Gene: TSC2 (TSC complex subunit 2; plus strand). Cytogenetic location: 16p13.3.
Variant type: single nucleotide variant.
Coding change: c.4376G>A on transcript NM_000548.5 (MANE Select); coding-DNA position 4376, G replaced by A.
Protein change: p.Arg1459Gln; replaces arginine 1459 with glutamine.
Molecular consequence: missense variant.
Genome position (GRCh38, 1-based): chr16:2,084,598, G>A. VCF-style: chr16-2084598-G-A. GRCh37 (hg19) VCF-style: chr16-2134599-G-A.
Other names: c.4175G>A, p.Arg1392Gln (NM_001077183.3); c.4307G>A, p.Arg1436Gln (NM_001114382.3); c.4067G>A, p.Arg1356Gln (NM_001318827.2); c.4031G>A, p.Arg1344Gln (NM_001318829.2); c.3644G>A, p.Arg1215Gln (NM_001318831.2); c.4208G>A, p.Arg1403Gln (NM_001318832.2); c.4178G>A, p.Arg1393Gln (NM_001363528.2); c.4244G>A, p.Arg1415Gln (NM_001370404.1); and 1 more; short protein forms R1459Q, R1403Q, R1356Q, R1436Q, R1215Q, R1344Q, R1415Q, R1416Q.
Identifiers: ClinVar variation 486601 (VCV000486601.18), dbSNP rs1555514409, ClinGen allele CA394301805.